The following is an entry in ClinVar:

ClinVar aggregate classification (germline): Uncertain significance (1 of 4 stars; one submission).

Conditions:
BBS4-related disorder. Also called: BBS4-related condition.

Submission:

PreventionGenetics, part of Exact Sciences
Classification: Uncertain significance for BBS4-related condition. Last evaluated: 2025-02-06. Review status: criteria provided, single submitter. Criteria: ACMG Guidelines, 2015. Collection method: clinical testing. Allele origin: germline.
Comment: The BBS4 c.31C>A variant is predicted to result in the amino acid substitution p.Gln11Lys. To our knowledge, this variant has not been reported in the literature or in a large population database (gnomAD), indicating this variant is rare. At this time, the clinical significance of this variant is uncertain due to the absence of conclusive functional and genetic evidence.

NM_033028.5(BBS4):c.31C>A (p.Gln11Lys)

Gene: BBS4 (Bardet-Biedl syndrome 4; plus strand). Cytogenetic location: 15q24.1.
Variant type: single nucleotide variant.
Coding change: c.31C>A on transcript NM_033028.5 (MANE Select); coding-DNA position 31, C replaced by A.
Protein change: p.Gln11Lys; replaces glutamine 11 with lysine.
Molecular consequence: missense variant. On other transcripts: non-coding transcript variant (2), intron variant (1).
Genome position (GRCh38, 1-based): chr15:72,695,183, C>A. VCF-style: chr15-72695183-C-A. GRCh37 (hg19) VCF-style: chr15-72987524-C-A.
Other names: c.31C>A, p.Gln11Lys (NM_001320665.2); c.-446+8932C>A (NM_001252678.2); short protein forms Q11K.
Identifiers: ClinVar variation 5000168 (VCV005000168.1).